The following is an entry in ClinVar:

ClinVar aggregate classification (germline): Uncertain significance (1 of 4 stars; one submission).

Submission:

Ambry Genetics
Classification: Uncertain significance. Last evaluated: 2026-06-20. Review status: criteria provided, single submitter. Criteria: Ambry Variant Classification Scheme 2023. Collection method: clinical testing. Allele origin: germline.
Comment: The p.G20S variant (also known as c.58G>A), located in coding exon 1 of the WNK2 gene, results from a G to A substitution at nucleotide position 58. The glycine at codon 20 is replaced by serine, an amino acid with similar properties. This amino acid position is conserved. In addition, this alteration is predicted to be tolerated by in silico analysis. Based on the available evidence, the clinical significance of this variant remains unclear.

NM_006648.4(WNK2):c.58G>A (p.Gly20Ser)

Gene: WNK2 (WNK lysine deficient protein kinase 2; plus strand). Cytogenetic location: 9q22.31.
Variant type: single nucleotide variant.
Coding change: c.58G>A on transcript NM_006648.4 (MANE Select); coding-DNA position 58, G replaced by A.
Protein change: p.Gly20Ser; replaces glycine 20 with serine.
Molecular consequence: missense variant.
Genome position (GRCh38, 1-based): chr9:93,184,987, G>A. VCF-style: chr9-93184987-G-A. GRCh37 (hg19) VCF-style: chr9-95947269-G-A.
Other names: c.58G>A, p.Gly20Ser (NM_001282394.3); short protein forms G20S.
Identifiers: ClinVar variation 5031795 (VCV005031795.1).